The following is an entry in ClinVar:

ClinVar aggregate classification (germline): Conflicting classifications of pathogenicity. Review status: criteria provided, conflicting classifications (1 of 4 stars). 5 submissions from 5 submitters: Uncertain significance (1); Likely benign (3). 1 of the submissions does not count toward it. Last evaluated 2025-12-28.

Conditions:
Congenital generalized lipodystrophy type 1 (CGL1). Also called: Berardinelli-Seip Congenital Lipodystrophy Type 1; BRUNZELL SYNDROME, AGPAT2-RELATED. Identifiers: Orphanet 528, Orphanet 696189, MedGen C1720862, MONDO:0012071, OMIM 608594.
AGPAT2-related disorder. Also called: AGPAT2-related condition.

Allele frequency attached by ClinVar (database versions not stated): gnomAD exomes 0.00026 and 0.00069; gnomAD 0.00033; TOPMed 0.00040; ESP Exome Variant Server 0.00062; 1000 Genomes Project 30x 0.00016; 1000 Genomes Project 0.00020; ExAC 0.00025.

Submissions (5):

Labcorp Genetics (formerly Invitae), Labcorp
Classification: Likely benign. Last evaluated: 2025-12-28. Review status: criteria provided, single submitter. Criteria: Invitae Variant Classification Sherloc (09022015). Collection method: clinical testing. Allele origin: germline.

Mayo Clinic Laboratories, Mayo Clinic
Classification: Likely benign. Last evaluated: 2025-02-11. Review status: criteria provided, single submitter. Criteria: ACMG Guidelines, 2015. Collection method: clinical testing. Allele origin: germline. Observed: 1 variant allele.
Comment: BP4, BP7

Blueprint Genetics
Classification: Likely benign. Last evaluated: 2024-09-16. Review status: criteria provided, single submitter. Criteria: ACMG Guidelines, 2015. Collection method: clinical testing. Allele origin: germline.

Illumina Laboratory Services, Illumina
Classification: Uncertain significance for Congenital generalized lipodystrophy type 1. Last evaluated: 2017-04-27. Review status: criteria provided, single submitter. Criteria: ICSL Variant Classification Criteria 13 December 2019. Collection method: clinical testing. Allele origin: germline.
Comment: This variant was observed as part of a predisposition screen in an ostensibly healthy population. A literature search was performed for the gene, cDNA change, and amino acid change (where applicable). Publications were found based on this search. However, the evidence from the literature, in combination with allele frequency data from public databases where available, was not sufficient to rule this variant in or out of causing disease. Therefore, this variant is classified as a variant of unknown significance.

PreventionGenetics, part of Exact Sciences
Classification: Likely benign for AGPAT2-related condition. Last evaluated: 2020-03-09. Review status: no assertion criteria provided. Collection method: clinical testing. Allele origin: germline. Not counted in ClinVar's aggregate classification.
Comment: This variant is classified as likely benign based on ACMG/AMP sequence variant interpretation guidelines (Richards et al. 2015 PMID: 25741868, with internal and published modifications).

Literature cited by the submitters: PubMed 11967537 (cited by Illumina Laboratory Services, Illumina); PubMed 14557463 (cited by Illumina Laboratory Services, Illumina).

NM_006412.4(AGPAT2):c.762C>T (p.Thr254=)

Gene: AGPAT2 (1-acylglycerol-3-phosphate O-acyltransferase 2; minus strand). Cytogenetic location: 9q34.3.
Variant type: single nucleotide variant.
Coding change: c.762C>T on transcript NM_006412.4 (MANE Select); coding-DNA position 762, C replaced by T.
Protein change: p.Thr254=; no amino-acid change (threonine 254 retained).
Molecular consequence: synonymous variant.
Genome position (GRCh38, 1-based): chr9:136,673,827, G>A on the plus strand (C>T on the coding strand, the complement: AGPAT2 is on the minus strand). VCF-style: chr9-136673827-G-A. GRCh37 (hg19) VCF-style: chr9-139568279-G-A.
Other names: p.Thr254=; c.666C>T, p.Thr222= (NM_001012727.2).
Identifiers: ClinVar variation 710852 (VCV000710852.15), dbSNP rs146973799, ClinGen allele CA5342825.